The following is an entry in ClinVar:

ClinVar aggregate classification (germline): Pathogenic/Likely pathogenic. Review status: criteria provided, multiple submitters, no conflicts (2 of 4 stars). 4 submissions from 4 submitters: Pathogenic (1); Likely pathogenic (2). 1 of the submissions does not count toward it. Last evaluated 2025-11-26.

Conditions:
Neurofibromatosis, type 1 (NF1). Also called: Peripheral type neurofibromatosis; Neurofibromatosis, type I; VON RECKLINGHAUSEN DISEASE; NEUROFIBROMATOSIS, TYPE I, SOMATIC. Identifiers: Orphanet 636, MedGen C0027831, MONDO:0018975, OMIM 162200. Disease mechanism: loss of function.

Submissions (4):

Dasa
Classification: Likely pathogenic. Last evaluated: 2025-11-26. Review status: criteria provided, single submitter. Criteria: DASA Assertion Criteria. Collection method: clinical testing. Allele origin: germline.
Comment: NM_001042492.3(NF1):c.2329T>G (p.Trp777Gly) is a missense variant that results in the substitution of tryptophan with glycine. The affected residue or protein region has prior evidence supporting clinical relevance. This variant has been reported in individuals with NF1-related disorders (PMID: 30308447). Also, this variant is absent from population databases. Computational evidence supports a deleterious effect. Based on the currently available evidence, this variant is classified as likely pathogenic.

Labcorp Genetics (formerly Invitae), Labcorp
Classification: Pathogenic for Neurofibromatosis, type 1. Last evaluated: 2025-04-10. Review status: criteria provided, single submitter. Criteria: Invitae Variant Classification Sherloc (09022015). Collection method: clinical testing. Allele origin: germline.
Comment: This sequence change replaces tryptophan, which is neutral and slightly polar, with glycine, which is neutral and non-polar, at codon 777 of the NF1 protein (p.Trp777Gly). This variant is not present in population databases (gnomAD no frequency). This missense change has been observed in individual(s) with neurofibromatosis type I (PMID: 30308447; internal data). ClinVar contains an entry for this variant (Variation ID: 635519). Invitae Evidence Modeling of protein sequence and biophysical properties (such as structural, functional, and spatial information, amino acid conservation, physicochemical variation, residue mobility, and thermodynamic stability) indicates that this missense variant is expected to disrupt NF1 protein function with a positive predictive value of 95%. This variant disrupts the p.Trp777 amino acid residue in NF1. Other variant(s) that disrupt this residue have been determined to be pathogenic (PMID: 10712197, 15146469, 17726231). This suggests that this residue is clinically significant, and that variants that disrupt this residue are likely to be disease-causing. For these reasons, this variant has been classified as Pathogenic.

Baylor Genetics
Classification: Likely pathogenic for Neurofibromatosis, type 1. Last evaluated: 2020-05-05. Review status: criteria provided, single submitter. Criteria: ACMG Guidelines, 2015. Collection method: clinical testing. Allele origin: unknown. Affected: yes.
Comment: This variant was determined to be likely pathogenic according to ACMG Guidelines, 2015 [PMID:25741868].

Bioscientia Institut fuer Medizinische Diagnostik GmbH, Sonic Healthcare
Classification: Likely pathogenic for Neurofibromatosis, type 1. Last evaluated: 2018-11-23. Review status: no assertion criteria provided. Collection method: clinical testing. Allele origin: germline. Affected: yes. Not counted in ClinVar's aggregate classification.

Literature cited by the submitters: PubMed 30308447 (cited by Dasa and Labcorp Genetics (formerly Invitae), Labcorp); PubMed 10712197 (cited by Labcorp Genetics (formerly Invitae), Labcorp); PubMed 15146469 (cited by Labcorp Genetics (formerly Invitae), Labcorp); PubMed 17726231 (cited by Labcorp Genetics (formerly Invitae), Labcorp).

NM_001042492.3(NF1):c.2329T>G (p.Trp777Gly)

Gene: NF1 (neurofibromin 1; plus strand). Cytogenetic location: 17q11.2.
Variant type: single nucleotide variant.
Coding change: c.2329T>G on transcript NM_001042492.3 (MANE Select); coding-DNA position 2329, T replaced by G.
Protein change: p.Trp777Gly; replaces tryptophan 777 with glycine.
Molecular consequence: missense variant.
Genome position (GRCh38, 1-based): chr17:31,227,526, T>G. VCF-style: chr17-31227526-T-G. GRCh37 (hg19) VCF-style: chr17-29554544-T-G.
Other names: c.2329T>G, p.Trp777Gly (NM_000267.4); short protein forms W777G.
Identifiers: ClinVar variation 635519 (VCV000635519.9), dbSNP rs876658853, ClinGen allele CA398983006.